The following is an entry in ClinVar:

NM_001244008.2(KIF1A):c.5214+5G>A

Gene: KIF1A (kinesin family member 1A; minus strand). Cytogenetic location: 2q37.3.
Variant type: single nucleotide variant.
Coding change: c.5214+5G>A on transcript NM_001244008.2 (MANE Select); 5 bases into the intron after coding-DNA position 5214, G replaced by A.
Molecular consequence: intron variant.
Genome position (GRCh38, 1-based): chr2:240,719,001, C>T on the plus strand (G>A on the coding strand, the complement: KIF1A is on the minus strand). VCF-style: chr2-240719001-C-T. GRCh37 (hg19) VCF-style: chr2-241658418-C-T.
Other names: c.4911+5G>A (NM_001379653.1, NM_001379650.1, NM_004321.8 and 2 more transcripts); c.5187+5G>A (NM_001379645.1, NM_001379633.1); c.5037+5G>A (NM_001379635.1, NM_001379646.1); c.4908+5G>A (NM_001379640.1); c.4875+41G>A (NM_001379641.1); c.4935+5G>A (NM_001379639.1); c.4938+5G>A (NM_001379649.1, NM_001320705.2); c.5025+5G>A (NM_001379636.1); and 8 more.
Identifiers: ClinVar variation 941539 (VCV000941539.9), dbSNP rs1420863157, ClinGen allele CA540752750.

ClinVar aggregate classification (germline): Uncertain significance. Review status: criteria provided, multiple submitters, no conflicts (2 of 4 stars). 2 submissions from 2 submitters: Uncertain significance (2). Last evaluated 2025-06-18.

Conditions:
Neuropathy, hereditary sensory, type 2C. Also called: KIF1A-Related HSAN2 (HSAN2C); Hereditary sensory and autonomic neuropathy type IIC. Identifiers: Orphanet 970, MedGen C3280168, MONDO:0013634, OMIM 614213.
Intellectual disability, autosomal dominant 9 (NESCAVS). Also called: NESCAV SYNDROME; KIF1A-Related Neurodevelopmental Disorder. Identifiers: Orphanet 662367, MedGen C5393830, MONDO:0013656, OMIM 614255.
Hereditary spastic paraplegia 30. Identifiers: Orphanet 101010, MedGen C5235139, MONDO:0012476.

Allele frequency attached by ClinVar (database versions not stated): gnomAD exomes below 0.00001; TOPMed below 0.00001.
gnomAD v4.1: 1 of 1,598,242 alleles (0.000063%); highest among the groups gnomAD compares: Admixed American, 0.0017%; no homozygotes.

Submissions (2):

Labcorp Genetics (formerly Invitae), Labcorp
Classification: Uncertain significance for Hereditary spastic paraplegia 30; Neuropathy, hereditary sensory, type 2C; Intellectual disability, autosomal dominant 9. Last evaluated: 2025-06-18. Review status: criteria provided, single submitter. Criteria: Invitae Variant Classification Sherloc (09022015). Collection method: clinical testing. Allele origin: germline.
Comment: This sequence change falls in intron 44 of the KIF1A gene. It does not directly change the encoded amino acid sequence of the KIF1A protein. It affects a nucleotide within the consensus splice site. This variant is present in population databases (no rsID available, gnomAD 0.003%). This variant has not been reported in the literature in individuals affected with KIF1A-related conditions. ClinVar contains an entry for this variant (Variation ID: 941539). Variants that disrupt the consensus splice site are a relatively common cause of aberrant splicing (PMID: 17576681, 9536098). Algorithms developed to predict the effect of sequence changes on RNA splicing suggest that this variant may disrupt the consensus splice site. In summary, the available evidence is currently insufficient to determine the role of this variant in disease. Therefore, it has been classified as a Variant of Uncertain Significance.

Mayo Clinic Laboratories, Mayo Clinic
Classification: Uncertain significance. Last evaluated: 2025-03-19. Review status: criteria provided, single submitter. Criteria: ACMG Guidelines, 2015. Collection method: clinical testing. Allele origin: germline. Observed: 1 variant allele.

Literature cited by the submitters: PubMed 17576681 (cited by Labcorp Genetics (formerly Invitae), Labcorp); PubMed 9536098 (cited by Labcorp Genetics (formerly Invitae), Labcorp).